The following is an entry in ClinVar:

NM_001940.4(ATN1):c.2936T>G (p.Leu979Arg)

Gene: ATN1 (atrophin 1; plus strand). Cytogenetic location: 12p13.31.
Variant type: single nucleotide variant.
Coding change: c.2936T>G on transcript NM_001940.4 (MANE Select); coding-DNA position 2936, T replaced by G.
Protein change: p.Leu979Arg; replaces leucine 979 with arginine.
Molecular consequence: missense variant.
Genome position (GRCh38, 1-based): chr12:6,938,899, T>G. VCF-style: chr12-6938899-T-G. GRCh37 (hg19) VCF-style: chr12-7048062-T-G.
Other names: c.2936T>G, p.Leu979Arg (NM_001007026.2); short protein forms L979R.
Identifiers: ClinVar variation 1690634 (VCV001690634.2), dbSNP rs2138219479, ClinGen allele CA383739848.

ClinVar aggregate classification (germline): Uncertain significance (1 of 4 stars; one submission).

Allele frequency attached by ClinVar (database versions not stated): gnomAD exomes below 0.00001.

Submission:

Laboratorio de Genetica e Diagnostico Molecular, Hospital Israelita Albert Einstein
Classification: Uncertain significance. Last evaluated: 2021-05-10. Review status: criteria provided, single submitter. Criteria: ACMG Guidelines, 2015. Collection method: clinical testing. Allele origin: germline. Affected: yes.
Comment: ACMG classification criteria: PM2, BP4